The following is an entry in ClinVar:

NM_001267550.2(TTN):c.56189A>C (p.Glu18730Ala)

Genes: TTN (titin; minus strand), TTN-AS1 (TTN antisense RNA 1; plus strand). Cytogenetic location: 2q31.2.
Variant type: single nucleotide variant.
Coding change: c.56189A>C on transcript NM_001267550.2 (MANE Select); coding-DNA position 56189, A replaced by C.
Protein change: p.Glu18730Ala; replaces glutamic acid 18730 with alanine.
Molecular consequence: missense variant. On other transcripts: non-coding transcript variant (1).
Genome position (GRCh38, 1-based): chr2:178,599,712, T>G on the plus strand (A>C on the coding strand, the complement: TTN is on the minus strand). VCF-style: chr2-178599712-T-G. GRCh37 (hg19) VCF-style: chr2-179464439-T-G.
Other names: c.51266A>C, p.Glu17089Ala (NM_001256850.1); c.28994A>C, p.Glu9665Ala (NM_003319.4); c.48485A>C, p.Glu16162Ala (NM_133378.4); c.29369A>C, p.Glu9790Ala (NM_133432.3); c.29570A>C, p.Glu9857Ala (NM_133437.4); short protein forms E16162A, E17089A, E18730A, E9665A, E9790A, E9857A.
Identifiers: ClinVar variation 1801099 (VCV001801099.1), dbSNP rs2469905906, ClinGen allele CA349534267.

ClinVar aggregate classification (germline): Uncertain significance (1 of 4 stars; one submission).

Submission:

GeneDx
Classification: Uncertain significance. Last evaluated: 2022-05-27. Review status: criteria provided, single submitter. Criteria: GeneDx Variant Classification Process June 2021. Collection method: clinical testing. Allele origin: germline. Affected: yes.
Comment: Missense variant in a gene in which most reported pathogenic variants are truncating/loss of function; Has not been previously published as pathogenic or benign to our knowledge; Not observed at significant frequency in large population cohorts (gnomAD)